The following is an entry in ClinVar:

NM_032856.5(WDR73):c.884-108C>G

Gene: WDR73 (WD repeat domain 73; minus strand). Cytogenetic location: 15q25.2.
Variant type: single nucleotide variant.
Coding change: c.884-108C>G on transcript NM_032856.5 (MANE Select); 108 bases into the intron before coding-DNA position 884, C replaced by G.
Molecular consequence: intron variant.
Genome position (GRCh38, 1-based): chr15:84,643,831, G>C on the plus strand (C>G on the coding strand, the complement: WDR73 is on the minus strand). VCF-style: chr15-84643831-G-C. GRCh37 (hg19) VCF-style: chr15-85187062-G-C.
Identifiers: ClinVar variation 1804613 (VCV001804613.1), dbSNP rs144467603, ClinGen allele CA273620276.

ClinVar aggregate classification (germline): Likely benign (1 of 4 stars; one submission).

Allele frequency attached by ClinVar (database versions not stated): gnomAD 0.00371; TOPMed 0.00436; 1000 Genomes Project 0.00439; 1000 Genomes Project 30x 0.00453.
gnomAD v4.1: 985 of 1,311,718 alleles (0.075%); highest among the groups gnomAD compares: African/African-American, 1.3%; 10 homozygotes.

Submission:

GeneDx
Classification: Likely benign. Last evaluated: 2022-02-19. Review status: criteria provided, single submitter. Criteria: GeneDx Variant Classification Process June 2021. Collection method: clinical testing. Allele origin: germline. Affected: yes.
Comment: See Variant Classification Assertion Criteria.